The following is an entry in ClinVar:

NM_000051.4(ATM):c.7175G>C (p.Arg2392Pro)

Genes: ATM (ATM serine/threonine kinase; plus strand), C11orf65 (chromosome 11 open reading frame 65; minus strand). Cytogenetic location: 11q22.3.
Variant type: single nucleotide variant.
Coding change: c.7175G>C on transcript NM_000051.4 (MANE Select); coding-DNA position 7175, G replaced by C.
Protein change: p.Arg2392Pro; replaces arginine 2392 with proline.
Molecular consequence: missense variant. On other transcripts: intron variant (2).
Genome position (GRCh38, 1-based): chr11:108,329,106, G>C. VCF-style: chr11-108329106-G-C. GRCh37 (hg19) VCF-style: chr11-108199833-G-C.
Other names: c.7175G>C, p.Arg2392Pro (NM_001351834.2); c.641-20035C>G (NM_001330368.2); c.*38+6114C>G (NM_001351110.2); short protein forms R2392P.
Identifiers: ClinVar variation 850579 (VCV000850579.10), dbSNP rs876659083, ClinGen allele CA382559561.

ClinVar aggregate classification (germline): Uncertain significance. Review status: criteria provided, multiple submitters, no conflicts (2 of 4 stars). 2 submissions from 2 submitters: Uncertain significance (2). Last evaluated 2021-09-02.

Conditions:
Hereditary cancer-predisposing syndrome. Also called: Tumor predisposition; Neoplastic Syndromes, Hereditary; Hereditary Cancer Syndrome; Hereditary neoplastic syndrome. Identifiers: Orphanet 140162, MedGen C0027672, MeSH D009386, MONDO:0015356.
Ataxia-telangiectasia syndrome (AT). Also called: ATAXIA-TELANGIECTASIA, COMPLEMENTATION GROUP A; ATAXIA-TELANGIECTASIA, FRESNO VARIANT; Ataxia-telangiectasia; Ataxia-telangiectasia, complementation group D; AT, COMPLEMENTATION GROUP C; Ataxia-telangiectasia, complementation group E. Identifiers: Orphanet 100, MedGen C0004135, MONDO:0008840, OMIM 208900.

Submissions (2):

Labcorp Genetics (formerly Invitae), Labcorp
Classification: Uncertain significance for Ataxia-telangiectasia syndrome. Last evaluated: 2021-09-02. Review status: criteria provided, single submitter. Criteria: Invitae Variant Classification Sherloc (09022015). Collection method: clinical testing. Allele origin: germline.
Comment: This sequence change replaces arginine with proline at codon 2392 of the ATM protein (p.Arg2392Pro). The arginine residue is highly conserved and there is a moderate physicochemical difference between arginine and proline. This variant is not present in population databases (ExAC no frequency). This variant has not been reported in the literature in individuals affected with ATM-related conditions. Algorithms developed to predict the effect of missense changes on protein structure and function (SIFT, PolyPhen-2, Align-GVGD) all suggest that this variant is likely to be disruptive. In summary, the available evidence is currently insufficient to determine the role of this variant in disease. Therefore, it has been classified as a Variant of Uncertain Significance.

Ambry Genetics
Classification: Uncertain significance for Hereditary cancer-predisposing syndrome. Last evaluated: 2019-11-21. Review status: criteria provided, single submitter. Criteria: Ambry Variant Classification Scheme 2023. Collection method: clinical testing. Allele origin: germline.
Comment: The p.R2392P variant (also known as c.7175G>C), located in coding exon 48 of the ATM gene, results from a G to C substitution at nucleotide position 7175. The arginine at codon 2392 is replaced by proline, an amino acid with dissimilar properties. This amino acid position is highly conserved in available vertebrate species. In addition, this alteration is predicted to be deleterious by in silico analysis. Since supporting evidence is limited at this time, the clinical significance of this alteration remains unclear.